The following is an entry in ClinVar:

ClinVar aggregate classification (germline): Likely benign (1 of 4 stars; one submission).

Conditions:
TARS1-related disorder. Also called: TARS1-related condition.

gnomAD v4.1: 19 of 1,613,844 alleles (0.0012%); highest among the groups gnomAD compares: Admixed American, 0.0017%; no homozygotes.

Submission:

PreventionGenetics, part of Exact Sciences
Classification: Likely benign for TARS1-related condition. Last evaluated: 2026-07-29. Review status: criteria provided, single submitter. Criteria: ACMG Guidelines, 2015. Collection method: clinical testing. Allele origin: germline.
Comment: This variant is classified as likely benign based on ACMG/AMP sequence variant interpretation guidelines (Richards et al. 2015 PMID: 25741868, with internal and published modifications).

NM_152295.5(TARS1):c.2115C>T (p.Ile705=)

Gene: TARS1 (threonyl-tRNA synthetase 1; plus strand). Cytogenetic location: 5p13.3.
Variant type: single nucleotide variant.
Coding change: c.2115C>T on transcript NM_152295.5 (MANE Select); coding-DNA position 2115, C replaced by T.
Protein change: p.Ile705=; no amino-acid change (isoleucine 705 retained).
Molecular consequence: synonymous variant. On other transcripts: non-coding transcript variant (3).
Genome position (GRCh38, 1-based): chr5:33,467,651, C>T. VCF-style: chr5-33467651-C-T. GRCh37 (hg19) VCF-style: chr5-33467756-C-T.
Other names: c.2115C>T, p.Ile705= (NM_001258437.1); c.2214C>T, p.Ile738= (NM_001258438.2).
Identifiers: ClinVar variation 4978481 (VCV004978481.1).
Genomic context (GRCh38, chr5:33,467,651, plus strand): 5'-TGTTAATATCCGCACAAGAGACAATAAGGTCCACGGGGAACGCACCATTTCTGAAACTAT[C>T]GAGCGGCTACAGCAGCTCAAAGAGTTCCGCAGCAAACAGGCAGAAGAAGAATTTTAATGA-3'
Protein context (NP_689508.3, residues 695-715): VHGERTISET[Ile705=]ERLQQLKEFR